The following is an entry in ClinVar:

NM_024577.4(SH3TC2):c.*10101C>T

Gene: SH3TC2 (SH3 domain and tetratricopeptide repeats 2; minus strand). Cytogenetic location: 5q32.
Variant type: single nucleotide variant.
Coding change: c.*10101C>T on transcript NM_024577.4 (MANE Select); 10101 bases downstream of the stop codon, C replaced by T.
Molecular consequence: 3 prime UTR variant.
Genome position (GRCh38, 1-based): chr5:148,994,610, G>A on the plus strand (C>T on the coding strand, the complement: SH3TC2 is on the minus strand). VCF-style: chr5-148994610-G-A. GRCh37 (hg19) VCF-style: chr5-148374173-G-A.
Identifiers: ClinVar variation 351720 (VCV000351720.5), dbSNP rs552099019, ClinGen allele CA10623244.

ClinVar aggregate classification (germline): Benign. Review status: criteria provided, single submitter (1 of 4 stars). 2 submissions from 1 submitter: Benign (2). Last evaluated 2018-01-13.

Conditions:
Charcot-Marie-Tooth disease type 4C (CMT4C). Also called: CHARCOT-MARIE-TOOTH DISEASE, DEMYELINATING, AUTOSOMAL RECESSIVE, TYPE 4C; CMT 4C; Charcot-Marie-Tooth Neuropathy Type 4C (CMT4C); CHARCOT-MARIE-TOOTH DISEASE, DEMYELINATING, TYPE 4C; SH3TC2-Related Hereditary Motor and Sensory Neuropathy. Identifiers: Orphanet 99949, MedGen C1866636, MONDO:0011113, OMIM 601596.
Susceptibility to mononeuropathy of the median nerve, mild. Also called: CARPAL TUNNEL SYNDROME, SUSCEPTIBILITY TO. Identifiers: MedGen C3150596, MONDO:0013237, OMIM 613353.

Allele frequency attached by ClinVar (database versions not stated): gnomAD 0.00460 and 0.00533; 1000 Genomes Project 0.02376.
gnomAD v4.1: 625 of 122,474 alleles (0.51%); highest among the groups gnomAD compares: Non-Finnish European, 0.71%; 4 homozygotes.

Submissions (2):

Illumina Laboratory Services, Illumina
Classification: Benign for Charcot-Marie-Tooth disease type 4C. Last evaluated: 2018-01-13. Review status: criteria provided, single submitter. Criteria: ICSL Variant Classification Criteria 13 December 2019. Collection method: clinical testing. Allele origin: germline.
Comment: This variant was observed in the ICSL laboratory as part of a predisposition screen in an ostensibly healthy population. It had not been previously curated by ICSL or reported in the Human Gene Mutation Database (HGMD: prior to June 1st, 2018), and was therefore a candidate for classification through an automated scoring system. Utilizing variant allele frequency, disease prevalence and penetrance estimates, and inheritance mode, an automated score was calculated to assess if this variant is too frequent to cause the disease. Based on the score and internal cut-off values, a variant classified as benign is not then subjected to further curation. The score for this variant resulted in a classification of benign for this disease.

Illumina Laboratory Services, Illumina
Classification: Benign for Susceptibility to mononeuropathy of the median nerve, mild. Last evaluated: 2018-01-13. Review status: criteria provided, single submitter. Criteria: ICSL Variant Classification Criteria 13 December 2019. Collection method: clinical testing. Allele origin: germline.
Comment: the same text as in the submission from Illumina Laboratory Services, Illumina above.